The following is an entry in ClinVar:

NM_000760.4(CSF3R):c.998C>T (p.Ala333Val)

Gene: CSF3R (colony stimulating factor 3 receptor; minus strand). Cytogenetic location: 1p34.3.
Variant type: single nucleotide variant.
Coding change: c.998C>T on transcript NM_000760.4 (MANE Select); coding-DNA position 998, C replaced by T.
Protein change: p.Ala333Val; replaces alanine 333 with valine.
Molecular consequence: missense variant.
Genome position (GRCh38, 1-based): chr1:36,472,139, G>A on the plus strand (C>T on the coding strand, the complement: CSF3R is on the minus strand). VCF-style: chr1-36472139-G-A. GRCh37 (hg19) VCF-style: chr1-36937740-G-A.
Other names: c.998C>T, p.Ala333Val (NM_156039.3, NM_172313.3); short protein forms A333V.
Identifiers: ClinVar variation 3624965 (VCV003624965.2).
Genomic context (GRCh38, chr1:36,472,139, plus strand): 5'-TGCACTGTCCTGGGGTCCAGCTGCCTCTGCCGCCACCATGTGTCCAGTCTGACAGTGGGG[G>A]CTGTGGATGGAACAAGAAGAGGGGGTGCCAGTTGGGGAGGGGCCTGGGGCCTGGACTGGA-3'
Protein context (NP_000751.1, residues 323-343): PSLELRTTER[Ala333Val]PTVRLDTWWR

ClinVar aggregate classification (germline): Uncertain significance (1 of 4 stars; one submission).

Conditions:
Autosomal recessive severe congenital neutropenia due to CSF3R deficiency. Also called: Neutropenia, severe congenital, 7, autosomal recessive. Identifiers: Orphanet 420702, MedGen C4310764, MONDO:0014865, OMIM 617014.

Submission:

Labcorp Genetics (formerly Invitae), Labcorp
Classification: Uncertain significance for Autosomal recessive severe congenital neutropenia due to CSF3R deficiency. Last evaluated: 2024-11-09. Review status: criteria provided, single submitter. Criteria: Invitae Variant Classification Sherloc (09022015). Collection method: clinical testing. Allele origin: germline.
Comment: This sequence change replaces alanine, which is neutral and non-polar, with valine, which is neutral and non-polar, at codon 333 of the CSF3R protein (p.Ala333Val). This variant is not present in population databases (gnomAD no frequency). This variant has not been reported in the literature in individuals affected with CSF3R-related conditions. An algorithm developed to predict the effect of missense changes on protein structure and function outputs the following: PolyPhen-2: "Benign". The valine amino acid residue is found in multiple mammalian species, which suggests that this missense change does not adversely affect protein function. In summary, the available evidence is currently insufficient to determine the role of this variant in disease. Therefore, it has been classified as a Variant of Uncertain Significance.